The following is an entry in ClinVar:

ClinVar aggregate classification (germline): Uncertain significance (1 of 4 stars; one submission).

Conditions:
ZFHX4-related disorder. Also called: ZFHX4-related condition.

Submission:

PreventionGenetics, part of Exact Sciences
Classification: Uncertain significance for ZFHX4-related condition. Last evaluated: 2025-07-14. Review status: criteria provided, single submitter. Criteria: ACMG Guidelines, 2015. Collection method: clinical testing. Allele origin: germline.
Comment: The ZFHX4 c.8582A>T variant is predicted to result in the amino acid substitution p.Asp2861Val. To our knowledge, this variant has not been reported in the literature or in a large population database (gnomAD), indicating this variant is rare. At this time, the clinical significance of this variant is uncertain due to the absence of conclusive functional and genetic evidence.

NM_024721.5(ZFHX4):c.8582A>T (p.Asp2861Val)

Gene: ZFHX4 (zinc finger homeobox 4; plus strand). Cytogenetic location: 8q21.13.
Variant type: single nucleotide variant.
Coding change: c.8582A>T on transcript NM_024721.5 (MANE Select); coding-DNA position 8582, A replaced by T.
Protein change: p.Asp2861Val; replaces aspartic acid 2861 with valine.
Molecular consequence: missense variant.
Genome position (GRCh38, 1-based): chr8:76,855,503, A>T. VCF-style: chr8-76855503-A-T. GRCh37 (hg19) VCF-style: chr8-77767739-A-T.
Other names: c.8504A>T, p.Asp2835Val (NM_001410934.1); short protein forms D2835V, D2861V.
Identifiers: ClinVar variation 4998978 (VCV004998978.1).
Genomic context (GRCh38, chr8:76,855,503, plus strand): 5'-AGCCAAAAACTCTGGATACTCTGCCAAAACCTGCAACCACACCTACCACGGAGGTCTGCG[A>T]TGACAAATTTCTCTTTTCTCTCACAAGCCCATCCATCCATTTCAATGACAAAGATGGCGA-3'
Protein context (NP_078997.4, residues 2851-2871): PATTPTTEVC[Asp2861Val]DKFLFSLTSP